The following is an entry in ClinVar:

NM_004415.4(DSP):c.1693A>G (p.Ile565Val)

Gene: DSP (desmoplakin; plus strand). Cytogenetic location: 6p24.3.
Variant type: single nucleotide variant.
Coding change: c.1693A>G on transcript NM_004415.4 (MANE Select); coding-DNA position 1693, A replaced by G.
Protein change: p.Ile565Val; replaces isoleucine 565 with valine.
Molecular consequence: missense variant.
Genome position (GRCh38, 1-based): chr6:7,570,555, A>G. VCF-style: chr6-7570555-A-G. GRCh37 (hg19) VCF-style: chr6-7570788-A-G.
Other names: c.1693A>G, p.Ile565Val (NM_001008844.3, NM_001319034.2); short protein forms I565V.
Identifiers: ClinVar variation 923114 (VCV000923114.8), dbSNP rs1287232143, ClinGen allele CA362678501.

ClinVar aggregate classification (germline): Conflicting classifications of pathogenicity. Review status: criteria provided, conflicting classifications (1 of 4 stars). 3 submissions from 3 submitters: Uncertain significance (2); Likely benign (1). Last evaluated 2026-02-02.

Conditions:
Arrhythmogenic right ventricular dysplasia 8 (ARVD8). Also called: Arrhythmogenic Right Ventricular Dysplasia/Cardiomyopathy 8; ARRHYTHMOGENIC RIGHT VENTRICULAR DYSPLASIA, FAMILIAL, 8; ARRHYTHMOGENIC RIGHT VENTRICULAR CARDIOMYOPATHY 8. Identifiers: MedGen C1843896, MONDO:0011831, OMIM 607450.
Arrhythmogenic cardiomyopathy with wooly hair and keratoderma. Also called: PALMOPLANTAR KERATODERMA WITH LEFT VENTRICULAR CARDIOMYOPATHY AND WOOLLY HAIR; Carvajal syndrome; Dilated cardiomyopathy with woolly hair and keratoderma; Arrhythmogenic cardiomyopathy with woolly hair and keratoderma. Identifiers: Orphanet 65282, MedGen C1854063, MONDO:0011581, OMIM 605676.
Cardiomyopathy (CMYO). Also called: Cardiomyopathies. Identifiers: Orphanet 167848, MedGen C0878544, MONDO:0004994, HP:0001638. Inheritance: Various modes of inheritance.

Allele frequency attached by ClinVar (database versions not stated): TOPMed below 0.00001; gnomAD exomes 0.00001.
gnomAD v4.1: 9 of 1,613,160 alleles (0.00056%); highest among the groups gnomAD compares: South Asian, 0.0088%; no homozygotes.

Submissions (3):

Labcorp Genetics (formerly Invitae), Labcorp
Classification: Likely benign for Arrhythmogenic cardiomyopathy with wooly hair and keratoderma; Arrhythmogenic right ventricular dysplasia 8. Last evaluated: 2026-02-02. Review status: criteria provided, single submitter. Criteria: Invitae Variant Classification Sherloc (09022015). Collection method: clinical testing. Allele origin: germline.

Color Diagnostics, LLC DBA Color Health
Classification: Uncertain significance for Cardiomyopathy. Last evaluated: 2024-03-06. Review status: criteria provided, single submitter. Criteria: ACMG Guidelines, 2015. Collection method: clinical testing. Allele origin: germline.
Comment: This missense variant replaces isoleucine with valine at codon 565 of the DSP protein. Computational prediction suggests that this variant may not impact protein structure and function (internally defined REVEL score threshold <= 0.5, PMID: 27666373). To our knowledge, functional studies have not been reported for this variant. This variant has not been reported in individuals affected with DSP-related disorders in the literature. This variant has been identified in 2/251156 chromosomes in the general population by the Genome Aggregation Database (gnomAD). The available evidence is insufficient to determine the role of this variant in disease conclusively. Therefore, this variant is classified as a Variant of Uncertain Significance.

Neuberg Centre For Genomic Medicine, NCGM
Classification: Uncertain significance for Arrhythmogenic right ventricular dysplasia 8. Review status: criteria provided, single submitter. Criteria: ACMG Guidelines, 2015. Collection method: clinical testing. Allele origin: germline. Inheritance: Autosomal dominant inheritance. Affected: yes.
Comment: The missense c.1693A>Gp.Ile565Val variant in DSP gene has not been reported previously as a pathogenic variant nor as a benign variant, to our knowledge. This variant is reported with the allele frequency of 0.0008% in the gnomAD Exomes and novel in 1000 Genomes. This variant has been reported to the ClinVar database as Uncertain Significance. However, no details are available for independent assessment. The amino acid Ile at position 565 is changed to a Val changing protein sequence and it might alter its composition and physico-chemical properties. The amino acid change p.Ile565Val in DSP is predicted as conserved by GERP++ and PhyloP across 100 vertebrates. For these reasons, this variant has been classified as Uncertain Significance.